The following is an entry in ClinVar:

ClinVar aggregate classification (germline): Pathogenic (1 of 4 stars; one submission).

Conditions:
Hereditary nonpolyposis colorectal neoplasms. Identifiers: MedGen C0009405, MeSH D003123.

Submission:

Labcorp Genetics (formerly Invitae), Labcorp
Classification: Pathogenic for Hereditary nonpolyposis colorectal neoplasms. Last evaluated: 2025-07-01. Review status: criteria provided, single submitter. Criteria: Invitae Variant Classification Sherloc (09022015). Collection method: clinical testing. Allele origin: germline.
Comment: This sequence change creates a premature translational stop signal (p.Val1253Glyfs*23) in the MSH6 gene. It is expected to result in an absent or disrupted protein product. Loss-of-function variants in MSH6 are known to be pathogenic (PMID: 18269114, 24362816). This variant is not present in population databases (gnomAD no frequency). This variant has not been reported in the literature in individuals affected with MSH6-related conditions. For these reasons, this variant has been classified as Pathogenic.

Literature cited by the submitters: PubMed 18269114; PubMed 24362816.

NM_000179.3(MSH6):c.3757_3758insGTAG (p.Val1253fs)

Gene: MSH6 (mutS homolog 6; plus strand). Cytogenetic location: 2p16.3.
Variant type: Insertion.
Coding change: c.3757_3758insGTAG on transcript NM_000179.3 (MANE Select); coding-DNA positions 3757 to 3758, GTAG inserted.
Protein change: p.Val1253fs; shifts the reading frame from valine 1253.
Molecular consequence: frameshift variant. On other transcripts: non-coding transcript variant (5).
Genome position: GRCh38 VCF-style: chr2-47806311-T-TTAGG. GRCh37 (hg19) VCF-style: chr2-48033450-T-TTAGG.
Other names: c.3367_3368insGTAG, p.Val1123fs (NM_001281492.2); c.2851_2852insGTAG, p.Val951fs (NM_001281493.2, NM_001281494.2, NM_001406811.1 and 6 more transcripts); c.3853_3854insGTAG, p.Val1285fs (NM_001406795.1, NM_001406802.1); c.3757_3758insGTAG, p.Val1253fs (NM_001406796.1, NM_001406800.1, NM_001406808.1 and 1 more transcripts); c.3460_3461insGTAG, p.Val1154fs (NM_001406797.1, NM_001406801.1, NM_001406805.1 and 10 more transcripts); c.3583_3584insGTAG, p.Val1195fs (NM_001406798.1); c.3232_3233insGTAG, p.Val1078fs (NM_001406799.1, NM_001406806.1, NM_001406807.1); c.2893_2894insGTAG, p.Val965fs (NM_001406803.1); and 7 more; short protein forms V1078fs, V1253fs, V180fs, V568fs, V731fs, V1123fs, V1197fs, V1255fs.
Identifiers: ClinVar variation 4722424 (VCV004722424.1).